The following is an entry in ClinVar:

ClinVar aggregate classification (germline): Uncertain significance (1 of 4 stars; one submission).

gnomAD v4.1: 9 of 1,613,824 alleles (0.00056%); highest among the groups gnomAD compares: South Asian, 0.0022%; no homozygotes.

Submission:

Labcorp Genetics (formerly Invitae), Labcorp
Classification: Uncertain significance. Last evaluated: 2025-07-28. Review status: criteria provided, single submitter. Criteria: Invitae Variant Classification Sherloc (09022015). Collection method: clinical testing. Allele origin: germline.
Comment: This sequence change replaces isoleucine, which is neutral and non-polar, with threonine, which is neutral and polar, at codon 3130 of the VPS13A protein (p.Ile3130Thr). This variant is present in population databases (no rsID available, gnomAD 0.0009%). This variant has not been reported in the literature in individuals affected with VPS13A-related conditions. An algorithm developed to predict the effect of missense changes on protein structure and function (PolyPhen-2) suggests that this variant is likely to be disruptive. In summary, the available evidence is currently insufficient to determine the role of this variant in disease. Therefore, it has been classified as a Variant of Uncertain Significance.

NM_033305.3(VPS13A):c.9389T>C (p.Ile3130Thr)

Gene: VPS13A (vacuolar protein sorting 13 homolog A; plus strand). Cytogenetic location: 9q21.2.
Variant type: single nucleotide variant.
Coding change: c.9389T>C on transcript NM_033305.3 (MANE Select); coding-DNA position 9389, T replaced by C.
Protein change: p.Ile3130Thr; replaces isoleucine 3130 with threonine.
Molecular consequence: missense variant.
Genome position (GRCh38, 1-based): chr9:77,405,977, T>C. VCF-style: chr9-77405977-T-C. GRCh37 (hg19) VCF-style: chr9-80020893-T-C.
Other names: c.9272T>C, p.Ile3091Thr (NM_001018037.2); short protein forms I3130T, I3091T.
Identifiers: ClinVar variation 4738351 (VCV004738351.1).